The following is an entry in ClinVar:

ClinVar aggregate classification (germline): Likely benign (1 of 4 stars; one submission).

Submission:

CeGaT Center for Human Genetics Tuebingen
Classification: Likely benign. Last evaluated: 2023-10-01. Review status: criteria provided, single submitter. Criteria: CeGaT Center For Human Genetics Tuebingen Variant Classification Criteria Version 2. Collection method: clinical testing. Allele origin: germline. Affected: yes. Observed: 1 variant allele.
Comment: SYNE1: PM2:Supporting, BP4, BP7

NM_182961.4(SYNE1):c.10657C>T (p.Leu3553=)

Gene: SYNE1 (spectrin repeat containing nuclear envelope protein 1; minus strand). Cytogenetic location: 6q25.2.
Variant type: single nucleotide variant.
Coding change: c.10657C>T on transcript NM_182961.4 (MANE Select); coding-DNA position 10657, C replaced by T.
Protein change: p.Leu3553=; no amino-acid change (leucine 3553 retained).
Molecular consequence: synonymous variant.
Genome position (GRCh38, 1-based): chr6:152,354,928, G>A on the plus strand (C>T on the coding strand, the complement: SYNE1 is on the minus strand). VCF-style: chr6-152354928-G-A. GRCh37 (hg19) VCF-style: chr6-152676063-G-A.
Other names: c.10678C>T, p.Leu3560= (NM_033071.5).
Identifiers: ClinVar variation 2657019 (VCV002657019.24), dbSNP rs2488306985, ClinGen allele CA452753273.